The following is an entry in ClinVar:

ClinVar aggregate classification (germline): Pathogenic (1 of 4 stars; one submission).

Conditions:
Hereditary spastic paraplegia 74. Also called: Spastic paraplegia 74, autosomal recessive. Identifiers: Orphanet 468661, MedGen C5568837, MONDO:0014644, OMIM 616451.
Multiple mitochondrial dysfunctions syndrome 3 (MMDS3). Identifiers: Orphanet 363424, MedGen C3809165, MONDO:0014132, OMIM 615330.

gnomAD v4.1: 1 of 1,306,460 alleles (0.000077%); highest among the groups gnomAD compares: Non-Finnish European, 0.000097%; no homozygotes.

Submission:

Juno Genomics, Hangzhou Juno Genomics, Inc
Classification: Pathogenic for Hereditary spastic paraplegia 74; Multiple mitochondrial dysfunctions syndrome 3. Review status: criteria provided, single submitter. Criteria: ACMG Guidelines, 2015. Collection method: clinical testing. Allele origin: germline.
Comment: Absent from controls (or at extremely low frequency if recessive) in Genome Aggregation Database.;Null variant in a gene where loss of function (LOF) is a known mechanism of disease.;For recessive disorders, detected in trans with a pathogenic variant.

NM_001010867.4(IBA57):c.22C>T (p.Arg8Ter)

Gene: IBA57 (iron-sulfur cluster assembly factor IBA57; plus strand). Cytogenetic location: 1q42.13.
Variant type: single nucleotide variant.
Coding change: c.22C>T on transcript NM_001010867.4 (MANE Select); coding-DNA position 22, C replaced by T.
Protein change: p.Arg8Ter; replaces arginine 8 with a stop codon.
Molecular consequence: nonsense.
Genome position (GRCh38, 1-based): chr1:228,165,838, C>T. VCF-style: chr1-228165838-C-T. GRCh37 (hg19) VCF-style: chr1-228353539-C-T.
Other names: short protein forms R8*.
Identifiers: ClinVar variation 5006204 (VCV005006204.2).
Genomic context (GRCh38, chr1:228,165,838, plus strand): 5'-CTTCCTTGGGCCCTTCCCGCTGCCCCACTCTTGTCCAAGATGGCGACCGCGGCGCTGCTT[C>T]GAGGCGCCACTCCGGGGCGCGGCGGCCCGGTCTGGCGCTGGCGGCTGCGCGCGGCCCCAA-3'